The following is an entry in ClinVar:

ClinVar aggregate classification (germline): Uncertain significance. Review status: criteria provided, multiple submitters, no conflicts (2 of 4 stars). 2 submissions from 2 submitters: Uncertain significance (2). Last evaluated 2024-08-23.

gnomAD v4.1: 1 of 1,613,828 alleles (0.000062%); highest among the groups gnomAD compares: Non-Finnish European, 0.000085%; no homozygotes.

Submissions (2):

Women's Health and Genetics/Laboratory Corporation of America, LabCorp
Classification: Uncertain significance. Last evaluated: 2024-08-23. Review status: criteria provided, single submitter. Criteria: LabCorp Variant Classification Summary - May 2015. Collection method: clinical testing. Allele origin: germline.
Comment: Variant summary: SOS1 c.842G>C (p.Ser281Thr) results in a conservative amino acid change located in the Dbl homology (DH) domain (IPR000219) of the encoded protein sequence. Three of five in-silico tools predict a damaging effect of the variant on protein function. The variant was absent in 251348 control chromosomes. The available data on variant occurrences in the general population are insufficient to allow any conclusion about variant significance. To our knowledge, no occurrence of c.842G>C in individuals affected with Noonan Syndrome And Related Conditions and no experimental evidence demonstrating its impact on protein function have been reported. No submitters have cited clinical-significance assessments for this variant to ClinVar. Based on the evidence outlined above, the variant was classified as uncertain significance.

Blueprint Genetics
Classification: Uncertain significance. Last evaluated: 2023-06-26. Review status: criteria provided, single submitter. Criteria: ACMG Guidelines, 2015. Collection method: clinical testing. Allele origin: germline.

NM_005633.4(SOS1):c.842G>C (p.Ser281Thr)

Gene: SOS1 (SOS Ras/Rac guanine nucleotide exchange factor 1; minus strand). Cytogenetic location: 2p22.1.
Variant type: single nucleotide variant.
Coding change: c.842G>C on transcript NM_005633.4 (MANE Select); coding-DNA position 842, G replaced by C.
Protein change: p.Ser281Thr; replaces serine 281 with threonine.
Molecular consequence: missense variant.
Genome position (GRCh38, 1-based): chr2:39,051,166, C>G on the plus strand (G>C on the coding strand, the complement: SOS1 is on the minus strand). VCF-style: chr2-39051166-C-G. GRCh37 (hg19) VCF-style: chr2-39278307-C-G.
Other names: c.821G>C, p.Ser274Thr (NM_001382394.1); c.842G>C, p.Ser281Thr (NM_001382395.1); short protein forms S274T, S281T.
Identifiers: ClinVar variation 3366615 (VCV003366615.2).
Genomic context (GRCh38, chr2:39,051,166, plus strand): 5'-TTATGCAGACTTTTCGGGTATATAATTGAAGTACTTACCTCTGCTAAGTCTTCAAAGCAG[C>G]TTCCTACTAGTGGATGGGGACTGCCTTCATCTGTCATTTCTACTGTATCTTCTATATGGC-3'
Protein context (NP_005624.2, residues 271-291): DEGSPHPLVG[Ser281Thr]CFEDLAEELA